The following is an entry in ClinVar:

NM_000124.4(ERCC6):c.2546A>C (p.Lys849Thr)

Gene: ERCC6 (ERCC excision repair 6, chromatin remodeling factor; minus strand). Cytogenetic location: 10q11.23.
Variant type: single nucleotide variant.
Coding change: c.2546A>C on transcript NM_000124.4 (MANE Select); coding-DNA position 2546, A replaced by C.
Protein change: p.Lys849Thr; replaces lysine 849 with threonine.
Molecular consequence: missense variant.
Genome position (GRCh38, 1-based): chr10:49,474,079, T>G on the plus strand (A>C on the coding strand, the complement: ERCC6 is on the minus strand). VCF-style: chr10-49474079-T-G. GRCh37 (hg19) VCF-style: chr10-50682125-T-G.
Other names: c.2546A>C, p.Lys849Thr (NM_001346440.2); short protein forms K849T.
Identifiers: ClinVar variation 2097247 (VCV002097247.4), dbSNP rs148208319, ClinGen allele CA206587931.

ClinVar aggregate classification (germline): Uncertain significance (1 of 4 stars; one submission).

Allele frequency attached by ClinVar (database versions not stated): gnomAD exomes below 0.00001.
gnomAD v4.1: 1 of 1,614,136 alleles (0.000062%); highest among the groups gnomAD compares: South Asian, 0.0011%; no homozygotes.

Submission:

Labcorp Genetics (formerly Invitae), Labcorp
Classification: Uncertain significance. Last evaluated: 2022-05-12. Review status: criteria provided, single submitter. Criteria: Invitae Variant Classification Sherloc (09022015). Collection method: clinical testing. Allele origin: germline.
Comment: Algorithms developed to predict the effect of missense changes on protein structure and function are either unavailable or do not agree on the potential impact of this missense change (SIFT: "Deleterious"; PolyPhen-2: "Benign"; Align-GVGD: "Class C65"). In summary, the available evidence is currently insufficient to determine the role of this variant in disease. Therefore, it has been classified as a Variant of Uncertain Significance. This variant has not been reported in the literature in individuals affected with ERCC6-related conditions. This variant is not present in population databases (gnomAD no frequency). This sequence change replaces lysine, which is basic and polar, with threonine, which is neutral and polar, at codon 849 of the ERCC6 protein (p.Lys849Thr).